The following is an entry in ClinVar:

NM_199420.4(POLQ):c.3313G>A (p.Gly1105Ser)

Gene: POLQ (DNA polymerase theta; minus strand). Cytogenetic location: 3q13.33.
Variant type: single nucleotide variant.
Coding change: c.3313G>A on transcript NM_199420.4 (MANE Select); coding-DNA position 3313, G replaced by A.
Protein change: p.Gly1105Ser; replaces glycine 1105 with serine.
Molecular consequence: missense variant.
Genome position (GRCh38, 1-based): chr3:121,489,618, C>T on the plus strand (G>A on the coding strand, the complement: POLQ is on the minus strand). VCF-style: chr3-121489618-C-T. GRCh37 (hg19) VCF-style: chr3-121208465-C-T.
Other names: short protein forms G1105S.
Identifiers: ClinVar variation 1730114 (VCV001730114.2), dbSNP rs2546787561, ClinGen allele CA354100731.

ClinVar aggregate classification (germline): Uncertain significance (1 of 4 stars; one submission).

Submission:

Ambry Genetics
Classification: Uncertain significance. Last evaluated: 2022-07-26. Review status: criteria provided, single submitter. Criteria: Ambry Variant Classification Scheme 2023. Collection method: clinical testing. Allele origin: germline.
Comment: The p.G1105S variant (also known as c.3313G>A), located in coding exon 16 of the POLQ gene, results from a G to A substitution at nucleotide position 3313. The glycine at codon 1105 is replaced by serine, an amino acid with similar properties. This amino acid position is conserved. In addition, this alteration is predicted to be tolerated by in silico analysis. Since supporting evidence is limited at this time, the clinical significance of this alteration remains unclear.